The following is an entry in ClinVar:

ClinVar aggregate classification (germline): Pathogenic. Review status: criteria provided, single submitter (1 of 4 stars). 2 submissions from 2 submitters: Pathogenic (1). 1 of the submissions does not count toward it. Last evaluated 2022-05-04.

Conditions:
Developmental and epileptic encephalopathy, 7 (DEE7). Also called: KCNQ2-Related Neonatal Epileptic Encephalopathy; Early infantile epileptic encephalopathy 7; KCNQ2-Related Neonatal-Onset Developmental and Epileptic Encephalopathy (NEO-DEE). Identifiers: Orphanet 439218, MedGen C3150986, MONDO:0013387, OMIM 613720.
Seizures, benign familial neonatal, 1. Also called: KCNQ2-Related Benign Familial Neonatal Epilepsy; Benign Neonatal Epilepsy 1; KCNQ2-Related Self-Limited Familial Neonatal Epilepsy (SLFNE); Seizures, benign neonatal, 1. Identifiers: Orphanet 1949, MedGen C3149074, MONDO:0007365, OMIM 121200.

Submissions (2):

Mendelics
Classification: Pathogenic for Seizures, benign familial neonatal, 1. Last evaluated: 2022-05-04. Review status: criteria provided, single submitter. Criteria: Mendelics Assertion Criteria 2019. Collection method: clinical testing. Allele origin: germline.

GeneReviews
No classification provided. Condition: Developmental and epileptic encephalopathy, 7. Review status: no classification provided. Collection method: literature only. Allele origin: germline. Affected: yes. Not counted in ClinVar's aggregate classification.
Comment: EE (epileptic encephalopathy)

Functional effect: Oocytes: expressed with wild-type KCNQ2 or with both wild-type KCNQ2 and KCNQ3 to mimic the heterozygous state, increases the depolarization required for channel activation.

Literature cited by the submitters: PubMed 22275249 (cited by GeneReviews); PubMed 25880994 (cited by GeneReviews); PubMed 24318194 (cited by GeneReviews); PubMed 11572947 (cited by GeneReviews); NCBI Bookshelf NBK32534 (cited by GeneReviews).

NM_172107.4(KCNQ2):c.613A>G (p.Ile205Val)

Gene: KCNQ2 (potassium voltage-gated channel subfamily Q member 2; minus strand). Cytogenetic location: 20q13.33.
Variant type: single nucleotide variant.
Coding change: c.613A>G on transcript NM_172107.4 (MANE Select); coding-DNA position 613, A replaced by G.
Protein change: p.Ile205Val; replaces isoleucine 205 with valine.
Molecular consequence: missense variant.
Genome position (GRCh38, 1-based): chr20:63,444,736, T>C on the plus strand (A>G on the coding strand, the complement: KCNQ2 is on the minus strand). VCF-style: chr20-63444736-T-C. GRCh37 (hg19) VCF-style: chr20-62076089-T-C.
Other names: c.613A>G, p.Ile205Val (NM_004518.6, NM_172106.3, NM_172108.5 and 1 more transcripts); short protein forms I205V.
Identifiers: ClinVar variation 369755 (VCV000369755.3), dbSNP rs1057516087, ClinGen allele CA10654824.